The following is an entry in ClinVar:

ClinVar aggregate classification (germline): Uncertain significance (1 of 4 stars; one submission).

Conditions:
Severe X-linked mitochondrial encephalomyopathy. Also called: ENCEPHALOMYOPATHY, MITOCHONDRIAL, X-LINKED. Identifiers: Orphanet 238329, MedGen C3151753, MONDO:0010437, OMIM 300816.

Submission:

3billion
Classification: Uncertain significance for Severe X-linked mitochondrial encephalomyopathy. Last evaluated: 2025-10-01. Review status: criteria provided, single submitter. Criteria: ACMG Guidelines, 2015. Collection method: clinical testing. Allele origin: germline. Affected: yes.
Comment: The variant is not observed in the gnomAD v4.1.0 dataset. Predicted Consequence/Location: Missense variant. Missense changes are a common disease-causing mechanism. In silico tool predictions suggest damaging effect of the variant on gene or gene product [REVEL: 0.61 (>=0.6, sensitivity 0.68 and specificity 0.92); 3Cnet: 0.00 (> 0.75, sensitivity 0.96 and precision 0.92)]. Different missense changes at the same codon have been reported as of uncertain significance (ClinVar ID: VCV003365583, VCV000938979). Therefore, this variant is classified as VUS according to the recommendation of ACMG/AMP guideline.

NM_004208.4(AIFM1):c.1465G>T (p.Asp489Tyr)

Genes: AIFM1 (apoptosis inducing factor mitochondria associated 1; minus strand), RAB33A (RAB33A, member RAS oncogene family; plus strand). Cytogenetic location: Xq26.1.
Variant type: single nucleotide variant.
Coding change: c.1465G>T on transcript NM_004208.4 (MANE Select); coding-DNA position 1465, G replaced by T.
Protein change: p.Asp489Tyr; replaces aspartic acid 489 with tyrosine.
Molecular consequence: missense variant. On other transcripts: 3 prime UTR variant (1), non-coding transcript variant (1).
Genome position (GRCh38, 1-based): chrX:130,131,783, C>A on the plus strand (G>T on the coding strand, the complement: AIFM1 is on the minus strand). VCF-style: chrX-130131783-C-A. GRCh37 (hg19) VCF-style: chrX-129265758-C-A.
Other names: c.448G>T, p.Asp150Tyr (NM_001130846.4); c.*693G>T (NM_001130847.4); c.1453G>T, p.Asp485Tyr (NM_145812.3); short protein forms D150Y, D485Y, D489Y.
Identifiers: ClinVar variation 4855599 (VCV004855599.1).
Genomic context (GRCh38, chrX:130,131,783, plus strand): 5'-CAAAAACACCAACTGTGGGCAAACTACTGTCCACAAGACCAATAGCTTCATAGCCAACAT[C>A]GGGGCCCAAATCACTCCTAAGAAGAGAGAAGAGGGTGTTCTGTCAAGGGACTGTAAGGAA-3'
Protein context (NP_004199.1, residues 479-499): QSMFWSDLGP[Asp489Tyr]VGYEAIGLVD